The following is an entry in ClinVar:

NM_021930.6(RINT1):c.1380G>C (p.Trp460Cys)

Gene: RINT1 (RAD50 interactor 1; plus strand). Cytogenetic location: 7q22.3.
Variant type: single nucleotide variant.
Coding change: c.1380G>C on transcript NM_021930.6 (MANE Select); coding-DNA position 1380, G replaced by C.
Protein change: p.Trp460Cys; replaces tryptophan 460 with cysteine.
Molecular consequence: missense variant. On other transcripts: non-coding transcript variant (1).
Genome position (GRCh38, 1-based): chr7:105,551,616, G>C. VCF-style: chr7-105551616-G-C. GRCh37 (hg19) VCF-style: chr7-105192063-G-C.
Other names: c.1146G>C, p.Trp382Cys (NM_001346599.2); c.357G>C, p.Trp119Cys (NM_001346600.2, NM_001346603.2); c.456G>C, p.Trp152Cys (NM_001346601.2); short protein forms W382C, W460C, W119C, W152C.
Identifiers: ClinVar variation 646939 (VCV000646939.13), dbSNP rs774638843, ClinGen allele CA4426669.

ClinVar aggregate classification (germline): Uncertain significance. Review status: criteria provided, multiple submitters, no conflicts (2 of 4 stars). 2 submissions from 2 submitters: Uncertain significance (2). Last evaluated 2025-04-15.

Allele frequency attached by ClinVar (database versions not stated): gnomAD 0.00001; gnomAD exomes 0.00001 and 0.00002; TOPMed 0.00001; ExAC 0.00002.
gnomAD v4.1: 5 of 1,609,702 alleles (0.00031%); highest among the groups gnomAD compares: East Asian, 0.011%; no homozygotes.

Submissions (2):

Ambry Genetics
Classification: Uncertain significance. Last evaluated: 2025-04-15. Review status: criteria provided, single submitter. Criteria: Ambry Variant Classification Scheme 2023. Collection method: clinical testing. Allele origin: germline.

Labcorp Genetics (formerly Invitae), Labcorp
Classification: Uncertain significance. Last evaluated: 2024-09-15. Review status: criteria provided, single submitter. Criteria: Invitae Variant Classification Sherloc (09022015). Collection method: clinical testing. Allele origin: germline.
Comment: This sequence change replaces tryptophan, which is neutral and slightly polar, with cysteine, which is neutral and slightly polar, at codon 460 of the RINT1 protein (p.Trp460Cys). This variant is present in population databases (rs774638843, gnomAD 0.03%). This variant has not been reported in the literature in individuals affected with RINT1-related conditions. ClinVar contains an entry for this variant (Variation ID: 646939). An algorithm developed to predict the effect of missense changes on protein structure and function (PolyPhen-2) suggests that this variant is likely to be disruptive. In summary, the available evidence is currently insufficient to determine the role of this variant in disease. Therefore, it has been classified as a Variant of Uncertain Significance.